The following is an entry in ClinVar:

ClinVar aggregate classification (germline): Likely benign. Review status: criteria provided, multiple submitters, no conflicts (2 of 4 stars). 2 submissions from 2 submitters: Likely benign (2). Last evaluated 2024-12-29.

Conditions:
DSC2-related disorder. Also called: DSC2-related condition.
Arrhythmogenic right ventricular dysplasia 11. Also called: Arrhythmogenic Right Ventricular Dysplasia/Cardiomyopathy11; ARRHYTHMOGENIC RIGHT VENTRICULAR DYSPLASIA, FAMILIAL, 11; Arrhythmogenic right ventricular dysplasia 11 with mild palmoplantar keratoderma and woolly hair. Identifiers: MedGen C1864850, MONDO:0012506, OMIM 610476.

Allele frequency attached by ClinVar (database versions not stated): TOPMed 0.00001.
gnomAD v4.1: 4 of 1,614,050 alleles (0.00025%); highest among the groups gnomAD compares: Admixed American, 0.0017%; no homozygotes.

Submissions (2):

PreventionGenetics, part of Exact Sciences
Classification: Likely benign for DSC2-related condition. Last evaluated: 2024-12-29. Review status: criteria provided, single submitter. Criteria: ACMG Guidelines, 2015. Collection method: clinical testing. Allele origin: germline.
Comment: This variant is classified as likely benign based on ACMG/AMP sequence variant interpretation guidelines (Richards et al. 2015 PMID: 25741868, with internal and published modifications).

Labcorp Genetics (formerly Invitae), Labcorp
Classification: Likely benign for Arrhythmogenic right ventricular dysplasia 11. Last evaluated: 2024-11-21. Review status: criteria provided, single submitter. Criteria: Invitae Variant Classification Sherloc (09022015). Collection method: clinical testing. Allele origin: germline.

NM_024422.6(DSC2):c.2469C>T (p.Tyr823=)

Gene: DSC2 (desmocollin 2; minus strand). Cytogenetic location: 18q12.1.
Variant type: single nucleotide variant.
Coding change: c.2469C>T on transcript NM_024422.6 (MANE Select); coding-DNA position 2469, C replaced by T.
Protein change: p.Tyr823=; no amino-acid change (tyrosine 823 retained).
Molecular consequence: synonymous variant.
Genome position (GRCh38, 1-based): chr18:31,068,933, G>A on the plus strand (C>T on the coding strand, the complement: DSC2 is on the minus strand). VCF-style: chr18-31068933-G-A. GRCh37 (hg19) VCF-style: chr18-28648899-G-A.
Other names: c.2469C>T, p.Tyr823= (NM_004949.5); c.2469C>T (NM_024422.4).
Identifiers: ClinVar variation 1584748 (VCV001584748.9), dbSNP rs1393087393, ClinGen allele CA503384559.